The following is an entry in ClinVar:

NM_000090.4(COL3A1):c.3010G>T (p.Ala1004Ser)

Gene: COL3A1 (collagen type III alpha 1 chain; plus strand). Cytogenetic location: 2q32.2.
Variant type: single nucleotide variant.
Coding change: c.3010G>T on transcript NM_000090.4 (MANE Select); coding-DNA position 3010, G replaced by T.
Protein change: p.Ala1004Ser; replaces alanine 1004 with serine.
Molecular consequence: missense variant.
Genome position (GRCh38, 1-based): chr2:189,005,428, G>T. VCF-style: chr2-189005428-G-T. GRCh37 (hg19) VCF-style: chr2-189870154-G-T.
Other names: short protein forms A1004S.
Identifiers: ClinVar variation 918437 (VCV000918437.4), dbSNP rs770199071, ClinGen allele CA075776.
Genomic context (GRCh38, chr2:189,005,428, plus strand): 5'-GGAGCTAACGGTCTCAGTGGAGAACGTGGTCCCCCTGGACCCCAGGGTCTTCCTGGTCTG[G>T]CTGGTACAGCTGGTGAACCTGGAAGAGATGTGAGTAGCAGTTTTTATTCAACCAGCCAGG-3'
Protein context (NP_000081.2, residues 994-1014): PPGPQGLPGL[Ala1004Ser]GTAGEPGRDG

ClinVar aggregate classification (germline): Uncertain significance (1 of 4 stars; one submission).

Conditions:
Familial thoracic aortic aneurysm and aortic dissection (TAAD). Also called: Thoracic aortic aneurysms and dissections. Identifiers: Orphanet 91387, MedGen C4707243, MONDO:0019625.

Allele frequency attached by ClinVar (database versions not stated): gnomAD exomes below 0.00001; ExAC 0.00001.

Submission:

Color Diagnostics, LLC DBA Color Health
Classification: Uncertain significance for Familial thoracic aortic aneurysm and aortic dissection. Last evaluated: 2024-03-07. Review status: criteria provided, single submitter. Criteria: ACMG Guidelines, 2015. Collection method: clinical testing. Allele origin: germline.
Comment: This missense variant replaces alanine with serine at codon 1004 of the COL3A1 protein. Computational prediction suggests that this variant may not impact protein structure and function (internally defined REVEL score threshold <= 0.5, PMID: 27666373). Splice site prediction tools suggest that this variant may not impact RNA splicing. To our knowledge, functional studies have not been performed for this variant. This variant has not been reported in individuals affected with cardiovascular disorders in the literature. This variant has been identified in 1/251428 chromosomes in the general population by the Genome Aggregation Database (gnomAD). The available evidence is insufficient to determine the role of this variant in disease conclusively. Therefore, this variant is classified as a Variant of Uncertain Significance.